The following is an entry in ClinVar:

NM_002971.6(SATB1):c.543C>G (p.Pro181=)

Gene: SATB1 (SATB homeobox 1; minus strand). Cytogenetic location: 3p24.3.
Variant type: single nucleotide variant.
Coding change: c.543C>G on transcript NM_002971.6 (MANE Select); coding-DNA position 543, C replaced by G.
Protein change: p.Pro181=; no amino-acid change (proline 181 retained).
Molecular consequence: synonymous variant.
Genome position (GRCh38, 1-based): chr3:18,415,207, G>C on the plus strand (C>G on the coding strand, the complement: SATB1 is on the minus strand). VCF-style: chr3-18415207-G-C. GRCh37 (hg19) VCF-style: chr3-18456699-G-C.
Other names: c.543C>G, p.Pro181= (NM_001131010.4, NM_001195470.3, NM_001322871.2 and 4 more transcripts); c.327C>G, p.Pro109= (NM_001322876.2).
Identifiers: ClinVar variation 4986663 (VCV004986663.1).

ClinVar aggregate classification (germline): Likely benign (1 of 4 stars; one submission).

Conditions:
SATB1-related disorder. Also called: SATB1-related condition.

gnomAD v4.1: 156 of 1,612,718 alleles (0.0097%); highest among the groups gnomAD compares: Non-Finnish European, 0.013%; no homozygotes.

Submission:

PreventionGenetics, part of Exact Sciences
Classification: Likely benign for SATB1-related condition. Last evaluated: 2025-02-21. Review status: criteria provided, single submitter. Criteria: ACMG Guidelines, 2015. Collection method: clinical testing. Allele origin: germline.
Comment: This variant is classified as likely benign based on ACMG/AMP sequence variant interpretation guidelines (Richards et al. 2015 PMID: 25741868, with internal and published modifications).